The following is an entry in ClinVar:

ClinVar aggregate classification (germline): Uncertain significance. Review status: criteria provided, multiple submitters, no conflicts (2 of 4 stars). 2 submissions from 2 submitters: Uncertain significance (2). Last evaluated 2025-12-30.

Conditions:
Duchenne muscular dystrophy (DMD). Also called: MUSCULAR DYSTROPHY, PSEUDOHYPERTROPHIC PROGRESSIVE, DUCHENNE TYPE; Duchenne Muscular Dystrophy (DMD). Identifiers: Orphanet 98896, MedGen C0013264, MONDO:0010679, OMIM 310200.
Cardiovascular phenotype. Identifiers: MedGen CN230736.

Submissions (2):

Ambry Genetics
Classification: Uncertain significance for Cardiovascular phenotype. Last evaluated: 2025-12-30. Review status: criteria provided, single submitter. Criteria: Ambry Variant Classification Scheme 2023. Collection method: clinical testing. Allele origin: germline.
Comment: The p.K660R variant (also known as c.1979A>G), located in coding exon 16 of the DMD gene, results from an A to G substitution at nucleotide position 1979. The lysine at codon 660 is replaced by arginine, an amino acid with highly similar properties. This amino acid position is conserved. In addition, this alteration is predicted to be tolerated by in silico analysis. Based on the available evidence, the clinical significance of this variant remains unclear.

Labcorp Genetics (formerly Invitae), Labcorp
Classification: Uncertain significance for Duchenne muscular dystrophy. Last evaluated: 2024-05-25. Review status: criteria provided, single submitter. Criteria: Invitae Variant Classification Sherloc (09022015). Collection method: clinical testing. Allele origin: germline.
Comment: This sequence change replaces lysine, which is basic and polar, with arginine, which is basic and polar, at codon 660 of the DMD protein (p.Lys660Arg). This variant is not present in population databases (gnomAD no frequency). This variant has not been reported in the literature in individuals affected with DMD-related conditions. Advanced modeling of protein sequence and biophysical properties (such as structural, functional, and spatial information, amino acid conservation, physicochemical variation, residue mobility, and thermodynamic stability) performed at Invitae indicates that this missense variant is not expected to disrupt DMD protein function with a negative predictive value of 95%. In summary, the available evidence is currently insufficient to determine the role of this variant in disease. Therefore, it has been classified as a Variant of Uncertain Significance.

NM_004006.3(DMD):c.1979A>G (p.Lys660Arg)

Gene: DMD (dystrophin; minus strand). Cytogenetic location: Xp21.1.
Variant type: single nucleotide variant.
Coding change: c.1979A>G on transcript NM_004006.3 (MANE Select); coding-DNA position 1979, A replaced by G.
Protein change: p.Lys660Arg; replaces lysine 660 with arginine.
Molecular consequence: missense variant.
Genome position (GRCh38, 1-based): chrX:32,565,715, T>C on the plus strand (A>G on the coding strand, the complement: DMD is on the minus strand). VCF-style: chrX-32565715-T-C. GRCh37 (hg19) VCF-style: chrX-32583832-T-C.
Other names: c.1955A>G, p.Lys652Arg (NM_000109.4); c.1967A>G, p.Lys656Arg (NM_004009.3); c.1610A>G, p.Lys537Arg (NM_004010.3); short protein forms K537R, K652R, K656R, K660R.
Identifiers: ClinVar variation 3610485 (VCV003610485.3).
Genomic context (GRCh38, chrX:32,565,715, plus strand): 5'-AAAAAATCTCTGAGATAGTCTGTAGCATGATAATTGGTATCACTAACCTGTGCTGTACTC[T>C]TTTCAAGTTTTTGGACTAAATTATCCCAACACCGGGCAAAGTTATCCAGCCATGCTTCCG-3'
Protein context (NP_003997.2, residues 650-670): CWDNLVQKLE[Lys660Arg]STAQISQAVT